The following is an entry in ClinVar:

NM_001378454.1(ALMS1):c.6121C>G (p.Gln2041Glu)

Gene: ALMS1 (ALMS1 centrosome and basal body associated protein; plus strand). Cytogenetic location: 2p13.1.
Variant type: single nucleotide variant.
Coding change: c.6121C>G on transcript NM_001378454.1 (MANE Select); coding-DNA position 6121, C replaced by G.
Protein change: p.Gln2041Glu; replaces glutamine 2041 with glutamic acid.
Molecular consequence: missense variant.
Genome position (GRCh38, 1-based): chr2:73,452,648, C>G. VCF-style: chr2-73452648-C-G. GRCh37 (hg19) VCF-style: chr2-73679775-C-G.
Other names: c.6124C>G, p.Gln2042Glu (NM_015120.4); short protein forms Q2041E, Q2042E.
Identifiers: ClinVar variation 1016176 (VCV001016176.13), dbSNP rs780824087, ClinGen allele CA1714007.

ClinVar aggregate classification (germline): Uncertain significance. Review status: criteria provided, multiple submitters, no conflicts (2 of 4 stars). 5 submissions from 5 submitters: Uncertain significance (4). 1 of the submissions does not count toward it. Last evaluated 2025-04-02.

Conditions:
Cardiovascular phenotype. Identifiers: MedGen CN230736.
Alstrom syndrome (ALMS). Identifiers: Orphanet 64, MedGen C0268425, MONDO:0008763, OMIM 203800.

Allele frequency attached by ClinVar (database versions not stated): TOPMed below 0.00001; ExAC 0.00001; gnomAD 0.00001; gnomAD exomes 0.00001 and 0.00002.
gnomAD v4.1: 19 of 1,613,886 alleles (0.0012%); highest among the groups gnomAD compares: Admixed American, 0.0017%; no homozygotes.

Submissions (5):

Ambry Genetics
Classification: Uncertain significance for Cardiovascular phenotype. Last evaluated: 2025-04-02. Review status: criteria provided, single submitter. Criteria: Ambry Variant Classification Scheme 2023. Collection method: clinical testing. Allele origin: germline.
Comment: The p.Q2042E variant (also known as c.6124C>G), located in coding exon 8 of the ALMS1 gene, results from a C to G substitution at nucleotide position 6124. The glutamine at codon 2042 is replaced by glutamic acid, an amino acid with highly similar properties. This amino acid position is poorly conserved in available vertebrate species. In addition, this alteration is predicted to be tolerated by in silico analysis. Based on the available evidence, the clinical significance of this variant remains unclear.

Labcorp Genetics (formerly Invitae), Labcorp
Classification: Uncertain significance for Alstrom syndrome. Last evaluated: 2022-05-31. Review status: criteria provided, single submitter. Criteria: Invitae Variant Classification Sherloc (09022015). Collection method: clinical testing. Allele origin: germline.
Comment: This sequence change replaces glutamine, which is neutral and polar, with glutamic acid, which is acidic and polar, at codon 2042 of the ALMS1 protein (p.Gln2042Glu). This variant is present in population databases (rs780824087, gnomAD 0.03%). This variant has not been reported in the literature in individuals affected with ALMS1-related conditions. ClinVar contains an entry for this variant (Variation ID: 1016176). Experimental studies and prediction algorithms are not available or were not evaluated, and the functional significance of this variant is currently unknown. In summary, the available evidence is currently insufficient to determine the role of this variant in disease. Therefore, it has been classified as a Variant of Uncertain Significance.

GeneDx
Classification: Uncertain significance. Last evaluated: 2022-02-25. Review status: criteria provided, single submitter. Criteria: GeneDx Variant Classification Process June 2021. Collection method: clinical testing. Allele origin: germline. Affected: yes.
Comment: In silico analysis supports that this missense variant does not alter protein structure/function; Has not been previously published as pathogenic or benign to our knowledge

Fulgent Genetics
Classification: Uncertain significance for Alstrom syndrome. Last evaluated: 2022-01-06. Review status: criteria provided, single submitter. Criteria: ACMG Guidelines, 2015. Collection method: clinical testing. Allele origin: unknown.

Natera, Inc.
Classification: Uncertain significance for Alstrom syndrome. Last evaluated: 2020-06-13. Review status: no assertion criteria provided. Collection method: clinical testing. Allele origin: germline. Not counted in ClinVar's aggregate classification.